The following is an entry in ClinVar:

ClinVar aggregate classification (germline): Conflicting classifications of pathogenicity. Review status: criteria provided, conflicting classifications (1 of 4 stars). 8 submissions from 8 submitters: Uncertain significance (5); Likely benign (2). 1 of the submissions does not count toward it. Last evaluated 2025-05-19.

Conditions:
Hereditary cancer-predisposing syndrome. Also called: Neoplastic Syndromes, Hereditary; Hereditary neoplastic syndrome; Hereditary Cancer Syndrome; Tumor predisposition. Identifiers: Orphanet 140162, MedGen C0027672, MeSH D009386, MONDO:0015356.
Familial cancer of breast. Also called: hereditary breast carcinoma; BREAST CANCER, FAMILIAL; Hereditary breast cancer. Identifiers: Orphanet 227535, MedGen C0346153, MONDO:0016419, OMIM 114480. Disease mechanism: loss of function.
Breast-ovarian cancer, familial, susceptibility to, 2 (BROVCA2). Also called: BRCA2 Hereditary Breast and Ovarian Cancer. Identifiers: Orphanet 145, MedGen C2675520, MONDO:0012933, OMIM 612555. Disease mechanism: loss of function.
Fanconi anemia complementation group D1. Also called: BRCA2-Related Fanconi Anemia. Identifiers: Orphanet 319462, MedGen C1838457, MONDO:0011584, OMIM 605724.
Medulloblastoma (MDB). Also called: Medulloblastoma, somatic; MEDULLOBLASTOMA PREDISPOSITION SYNDROME. Identifiers: Orphanet 616, MedGen C0025149, MeSH D008527, MONDO:0007959, OMIM 155255, HP:0002885.
Prostate cancer. Also called: Malignant tumor of prostate. Identifiers: Orphanet 1331, MedGen C0376358, MONDO:0008315, HP:0012125.
Wilms tumor 1 (WT1). Also called: Wilms tumor, somatic. Identifiers: Orphanet 654, MedGen CN033288, MONDO:0008679, OMIM 194070.
Pancreatic cancer, susceptibility to, 2. Identifiers: Orphanet 1333, MedGen C3150546, MONDO:0013235, OMIM 613347.
Glioma susceptibility 3 (GLM3). Also called: Glioblastoma 3. Identifiers: Orphanet 182067, Orphanet 360, MedGen C2751641, MONDO:0013093, OMIM 613029.
Hereditary breast ovarian cancer syndrome. Also called: BRCA1- and BRCA2-Associated Hereditary Breast and Ovarian Cancer; Hereditary breast and ovarian cancer syndrome; Hereditary breast and ovarian cancer syndrome (HBOC); Hereditary breast and ovarian cancer; Breast and ovarian cancer; Hereditary breast and/or ovarian cancer syndrome. Identifiers: Orphanet 145, MedGen C0677776, MeSH D061325, MONDO:0003582. Disease mechanism: loss of function.

Allele frequency attached by ClinVar (database versions not stated): TOPMed below 0.00001; gnomAD exomes below 0.00001.
gnomAD v4.1: 3 of 1,596,718 alleles (0.00019%); highest among the groups gnomAD compares: Non-Finnish European, 0.00026%; no homozygotes.

Submissions (8):

Labcorp Genetics (formerly Invitae), Labcorp
Classification: Uncertain significance for Hereditary breast ovarian cancer syndrome. Last evaluated: 2025-05-19. Review status: criteria provided, single submitter. Criteria: Invitae Variant Classification Sherloc (09022015). Collection method: clinical testing. Allele origin: germline.
Comment: This sequence change replaces histidine, which is basic and polar, with arginine, which is basic and polar, at codon 334 of the BRCA2 protein (p.His334Arg). This variant is not present in population databases (gnomAD no frequency). This variant has not been reported in the literature in individuals affected with BRCA2-related conditions. ClinVar contains an entry for this variant (Variation ID: 141793). Invitae Evidence Modeling of protein sequence and biophysical properties (such as structural, functional, and spatial information, amino acid conservation, physicochemical variation, residue mobility, and thermodynamic stability) indicates that this missense variant is not expected to disrupt BRCA2 protein function with a negative predictive value of 95%. In summary, the available evidence is currently insufficient to determine the role of this variant in disease. Therefore, it has been classified as a Variant of Uncertain Significance.

Color Diagnostics, LLC DBA Color Health
Classification: Uncertain significance for Hereditary cancer-predisposing syndrome. Last evaluated: 2025-05-13. Review status: criteria provided, single submitter. Criteria: ACMG Guidelines, 2015. Collection method: clinical testing. Allele origin: germline.
Comment: This missense variant replaces histidine with arginine at codon 334 of the BRCA2 protein. Computational prediction suggests that this variant may not impact protein structure and function. To our knowledge, functional studies have not been reported for this variant. A multifactorial analysis has reported a likelihood ratio for pathogenicity based on personal and family history of 6.271 from log(LR)=0.797360659 for 2 carriers (PMID: 31853058). This variant has not been identified in the general population by the Genome Aggregation Database (gnomAD). The available evidence is insufficient to determine the role of this variant in disease conclusively. Therefore, this variant is classified as a Variant of Uncertain Significance.

Ambry Genetics
Classification: Likely benign for Hereditary cancer-predisposing syndrome. Last evaluated: 2025-02-18. Review status: criteria provided, single submitter. Criteria: Ambry Variant Classification Scheme 2023. Collection method: clinical testing. Allele origin: germline.

All of Us Research Program, National Institutes of Health
Classification: Uncertain significance for Breast-ovarian cancer, familial, susceptibility to, 2. Last evaluated: 2023-12-01. Review status: criteria provided, single submitter. Criteria: ACMG Guidelines, 2015. Collection method: clinical testing. Allele origin: germline. Inheritance: Autosomal dominant inheritance. Observed: 3 variant alleles, 3 heterozygotes.
Comment: This missense variant replaces histidine with arginine at codon 334 of the BRCA2 protein. Computational prediction suggests that this variant may not impact protein structure and function (internally defined REVEL score threshold <= 0.5, PMID: 27666373). To our knowledge, functional studies have not been reported for this variant. This variant has not been reported in individuals affected with hereditary cancer in the literature. This variant has not been identified in the general population by the Genome Aggregation Database (gnomAD). The available evidence is insufficient to determine the role of this variant in disease conclusively. Therefore, this variant is classified as a Variant of Uncertain Significance.

This study involves interpretation of variants in research participants for the purpose of population health screening. Participant phenotype was not available at the time of variant classification. Additional details can be found in publication PMID: 35346344, PMCID: PMC8962531

University of Washington Department of Laboratory Medicine, University of Washington
Classification: Likely benign for Hereditary cancer-predisposing syndrome. Last evaluated: 2023-03-23. Review status: criteria provided, single submitter. Criteria: Dines et al. (Genet Med. 2020). Collection method: curation. Allele origin: germline.
Comment: Missense variant in a coldspot region where missense variants are very unlikely to be pathogenic (PMID:31911673).

BRCA2 exon 10 coldspot. Reclassification based on statistical prior probability.

Fulgent Genetics
Classification: Uncertain significance for Familial cancer of breast; Medulloblastoma; Familial prostate cancer; Wilms tumor 1; Fanconi anemia complementation group D1; Breast-ovarian cancer, familial, susceptibility to, 2; Glioma susceptibility 3; Pancreatic cancer, susceptibility to, 2. Last evaluated: 2022-04-21. Review status: criteria provided, single submitter. Criteria: ACMG Guidelines, 2015. Collection method: clinical testing. Allele origin: unknown.

Quest Diagnostics Nichols Institute San Juan Capistrano
Classification: Uncertain significance. Last evaluated: 2018-11-16. Review status: criteria provided, single submitter. Criteria: Quest Diagnostics criteria. Collection method: clinical testing. Allele origin: germline.

Counsyl
Classification: Uncertain significance for Breast-ovarian cancer, familial, susceptibility to, 2. Last evaluated: 2016-01-24. Review status: no assertion criteria provided. Collection method: clinical testing. Allele origin: unknown. Not counted in ClinVar's aggregate classification.

Literature cited by the submitters: PubMed 31853058 (cited by Color Diagnostics, LLC DBA Color Health); PubMed 21156238 (cited by Quest Diagnostics Nichols Institute San Juan Capistrano); PubMed 25348012 (cited by Quest Diagnostics Nichols Institute San Juan Capistrano and Counsyl).

NM_000059.4(BRCA2):c.1001A>G (p.His334Arg)

Gene: BRCA2 (BRCA2 DNA repair associated; plus strand). Cytogenetic location: 13q13.1.
Variant type: single nucleotide variant.
Coding change: c.1001A>G on transcript NM_000059.4 (MANE Select); coding-DNA position 1001, A replaced by G.
Protein change: p.His334Arg; replaces histidine 334 with arginine.
Molecular consequence: missense variant.
Genome position (GRCh38, 1-based): chr13:32,332,479, A>G. VCF-style: chr13-32332479-A-G. GRCh37 (hg19) VCF-style: chr13-32906616-A-G.
Other names: short protein forms H334R.
Identifiers: ClinVar variation 141793 (VCV000141793.29), dbSNP rs587782016, ClinGen allele CA010039.